The following is an entry in ClinVar:

NM_020812.4(DOCK6):c.3721G>A (p.Ala1241Thr)

Genes: DOCK6 (dedicator of cytokinesis 6; minus strand), DOCK6-AS1 (DOCK6 antisense RNA 1; plus strand). Cytogenetic location: 19p13.2.
Variant type: single nucleotide variant.
Coding change: c.3721G>A on transcript NM_020812.4 (MANE Select); coding-DNA position 3721, G replaced by A.
Protein change: p.Ala1241Thr; replaces alanine 1241 with threonine.
Molecular consequence: missense variant.
Genome position (GRCh38, 1-based): chr19:11,217,087, C>T on the plus strand (G>A on the coding strand, the complement: DOCK6 is on the minus strand). VCF-style: chr19-11217087-C-T. GRCh37 (hg19) VCF-style: chr19-11327763-C-T.
Other names: c.3721G>A (NM_020812.2); c.3826G>A, p.Ala1276Thr (NM_001367830.1); short protein forms A1241T, A1276T.
Identifiers: ClinVar variation 1224387 (VCV001224387.6), dbSNP rs200053961, ClinGen allele CA9207142.

ClinVar aggregate classification (germline): Uncertain significance. Review status: criteria provided, multiple submitters, no conflicts (2 of 4 stars). 3 submissions from 3 submitters: Uncertain significance (3). Last evaluated 2024-09-02.

Conditions:
Inborn genetic diseases. Identifiers: MedGen C0950123, MeSH D030342.

Allele frequency attached by ClinVar (database versions not stated): gnomAD exomes 0.00006 and 0.00012; gnomAD 0.00009; ExAC 0.00012; TOPMed 0.00012; 1000 Genomes Project 30x 0.00016; 1000 Genomes Project 0.00020.
gnomAD v4.1: 96 of 1,611,432 alleles (0.006%); highest among the groups gnomAD compares: East Asian, 0.047%; no homozygotes.

Submissions (3):

Blueprint Genetics
Classification: Uncertain significance. Last evaluated: 2024-09-02. Review status: criteria provided, single submitter. Criteria: ACMG Guidelines, 2015. Collection method: clinical testing. Allele origin: germline.

Ambry Genetics
Classification: Uncertain significance for Inborn genetic diseases. Last evaluated: 2023-12-14. Review status: criteria provided, single submitter. Criteria: Ambry Variant Classification Scheme 2023. Collection method: clinical testing. Allele origin: germline.

Labcorp Genetics (formerly Invitae), Labcorp
Classification: Uncertain significance. Last evaluated: 2022-07-19. Review status: criteria provided, single submitter. Criteria: Invitae Variant Classification Sherloc (09022015). Collection method: clinical testing. Allele origin: germline.
Comment: This sequence change replaces alanine, which is neutral and non-polar, with threonine, which is neutral and polar, at codon 1241 of the DOCK6 protein (p.Ala1241Thr). This variant is present in population databases (rs200053961, gnomAD 0.09%). This variant has not been reported in the literature in individuals affected with DOCK6-related conditions. ClinVar contains an entry for this variant (Variation ID: 1224387). Algorithms developed to predict the effect of missense changes on protein structure and function output the following: SIFT: "Tolerated"; PolyPhen-2: "Benign"; Align-GVGD: "Class C0". The threonine amino acid residue is found in multiple mammalian species, which suggests that this missense change does not adversely affect protein function. In summary, the available evidence is currently insufficient to determine the role of this variant in disease. Therefore, it has been classified as a Variant of Uncertain Significance.